The following is an entry in ClinVar:

NM_000217.3(KCNA1):c.*1242T>G

Gene: KCNA1 (potassium voltage-gated channel subfamily A member 1; plus strand). Cytogenetic location: 12p13.32.
Variant type: single nucleotide variant.
Coding change: c.*1242T>G on transcript NM_000217.3 (MANE Select); 1242 bases downstream of the stop codon, T replaced by G.
Molecular consequence: 3 prime UTR variant.
Genome position (GRCh38, 1-based): chr12:4,914,108, T>G. VCF-style: chr12-4914108-T-G. GRCh37 (hg19) VCF-style: chr12-5023274-T-G.
Identifiers: ClinVar variation 1711333 (VCV001711333.30), dbSNP rs1179192434, ClinGen allele CA603063765.

ClinVar aggregate classification (germline): Likely benign (1 of 4 stars; one submission).

Submission:

CeGaT Center for Human Genetics Tuebingen
Classification: Likely benign. Last evaluated: 2022-09-01. Review status: criteria provided, single submitter. Criteria: CeGaT Center For Human Genetics Tuebingen Variant Classification Criteria Version 2. Collection method: clinical testing. Allele origin: germline. Affected: yes. Observed: 1 variant allele.
Comment: KCNA1: BS1